The following is an entry in ClinVar:

ClinVar aggregate classification (germline): Uncertain significance (1 of 4 stars; one submission).

Submission:

Greenwood Genetic Center Diagnostic Laboratories, Greenwood Genetic Center
Classification: Uncertain significance. Last evaluated: 2022-04-26. Review status: criteria provided, single submitter. Criteria: ACMG Guidelines, 2015. Collection method: clinical testing. Allele origin: germline. Affected: yes.
Comment: Gene of Uncertain Significance

NM_001382637.1(OTUD7A):c.2616CGACGC[3] (p.Ala876_Pro877insAspAla)

Gene: OTUD7A (OTU deubiquitinase 7A; minus strand). Cytogenetic location: 15q13.3.
Variant type: Microsatellite.
Coding change: c.2616CGACGC[3] on transcript NM_001382637.1 (MANE Select); three copies in a row of the 6-base unit CGACGC starting at c.2616; the reference has two copies in a row; one copy, 6 bases duplicated.
Protein change: p.Ala876_Pro877insAspAla.
Molecular consequence: inframe insertion.
Genome position (GRCh38, 1-based): chr15:31,483,469-31,483,474, GCGTCG duplicated on the plus strand (CGACGC on the coding strand, the reverse complement: OTUD7A is on the minus strand); duplicating any 6 consecutive bases within chr15:31,483,469-31,483,483 gives the same sequence; the position shown is the placement nearest the transcript's 3' end. VCF-style (leftmost placement, unchanged base first): chr15-31483468-C-CGCGTCG. GRCh37 (hg19) VCF-style: chr15-31775671-C-CGCGTCG.
Other names: c.2595CGACGC[3], p.Ala869_Pro870insAspAla (NM_130901.3); c.2601_2606dup (NM_130901.3).
Identifiers: ClinVar variation 1703163 (VCV001703163.3), dbSNP rs748063208, ClinGen allele CA2167969520.
Genomic context (GRCh38, chr15:31,483,468, plus strand): 5'-GCGCCGCTGCACCGGCCCCGGGCCGCCACGGCCGCACTCACCGTTCGAGCGCGCGGTCGG[C>CGCGTCG]GCGTCGGCGTCGGCGAACTCCAGGCCGTCGCGCAGGGCGCCGAAGCCGTTGGTGTAGGTC-3'